The following is an entry in ClinVar:

NM_002591.4(PCK1):c.228G>T (p.Trp76Cys)

Gene: PCK1 (phosphoenolpyruvate carboxykinase 1; plus strand). Cytogenetic location: 20q13.31.
Variant type: single nucleotide variant.
Coding change: c.228G>T on transcript NM_002591.4 (MANE Select); coding-DNA position 228, G replaced by T.
Protein change: p.Trp76Cys; replaces tryptophan 76 with cysteine.
Molecular consequence: missense variant.
Genome position (GRCh38, 1-based): chr20:57,562,074, G>T. VCF-style: chr20-57562074-G-T. GRCh37 (hg19) VCF-style: chr20-56137130-G-T.
Other names: short protein forms W76C.
Identifiers: ClinVar variation 338873 (VCV000338873.9), dbSNP rs139008325, ClinGen allele CA9921942.

ClinVar aggregate classification (germline): Uncertain significance (1 of 4 stars; one submission).

Allele frequency attached by ClinVar (database versions not stated): gnomAD 0.00006; TOPMed 0.00006; ESP Exome Variant Server 0.00015.

Submission:

Labcorp Genetics (formerly Invitae), Labcorp
Classification: Uncertain significance. Last evaluated: 2025-10-01. Review status: criteria provided, single submitter. Criteria: Invitae Variant Classification Sherloc (09022015). Collection method: clinical testing. Allele origin: germline.
Comment: This sequence change replaces tryptophan, which is neutral and slightly polar, with cysteine, which is neutral and slightly polar, at codon 76 of the PCK1 protein (p.Trp76Cys). This variant is present in population databases (rs139008325, gnomAD 0.009%). This variant has not been reported in the literature in individuals affected with PCK1-related conditions. ClinVar contains an entry for this variant (Variation ID: 338873). Invitae Evidence Modeling of protein sequence and biophysical properties (such as structural, functional, and spatial information, amino acid conservation, physicochemical variation, residue mobility, and thermodynamic stability) indicates that this missense variant is expected to disrupt PCK1 protein function with a positive predictive value of 80%. In summary, the available evidence is currently insufficient to determine the role of this variant in disease. Therefore, it has been classified as a Variant of Uncertain Significance.